The following is an entry in ClinVar:

NM_000094.4(COL7A1):c.5737-2A>G

Gene: COL7A1 (collagen type VII alpha 1 chain; minus strand). Cytogenetic location: 3p21.31.
Variant type: single nucleotide variant.
Coding change: c.5737-2A>G on transcript NM_000094.4 (MANE Select); the canonical splice acceptor site of the intron before coding-DNA position 5737, A replaced by G.
Molecular consequence: splice acceptor variant.
Genome position (GRCh38, 1-based): chr3:48,576,437, T>C on the plus strand (A>G on the coding strand, the complement: COL7A1 is on the minus strand). VCF-style: chr3-48576437-T-C. GRCh37 (hg19) VCF-style: chr3-48613870-T-C.
Identifiers: ClinVar variation 2094608 (VCV002094608.6), dbSNP rs1255401731, ClinGen allele CA352666733.

ClinVar aggregate classification (germline): Likely pathogenic. Review status: criteria provided, multiple submitters, no conflicts (2 of 4 stars). 2 submissions from 2 submitters: Likely pathogenic (2). Last evaluated 2022-02-20.

Conditions:
Nonsyndromic congenital nail disorder 8. Also called: TOENAIL DYSTROPHY, ISOLATED. Identifiers: MedGen C1843761, MONDO:0011852, OMIM 607523.
Dominant dystrophic epidermolysis bullosa with absence of skin. Also called: EPIDERMOLYSIS BULLOSA WITH CONGENITAL LOCALIZED ABSENCE OF SKIN AND DEFORMITY OF NAILS; EPIDERMOLYSIS BULLOSA DYSTROPHICA, BART TYPE. Identifiers: MedGen C0268371, MONDO:0007557, OMIM 132000.
Pretibial dystrophic epidermolysis bullosa. Also called: EPIDERMOLYSIS BULLOSA DYSTROPHICA, PRETIBIAL; Pretibial epidermolysis bullosa; Pretibial blistering. Identifiers: Orphanet 79410, MedGen C0432321, MONDO:0007552, OMIM 131850, HP:0012221.
Recessive dystrophic epidermolysis bullosa (RDEB). Also called: DYSTROPHIC EPIDERMOLYSIS BULLOSA, AUTOSOMAL RECESSIVE; EPIDERMOLYSIS BULLOSA DYSTROPHICA, HALLOPEAU-SIEMENS TYPE; Hallopeau-Siemens Disease; severe generalized recessive dystrophic epidermolysis bullosa; Epidermolysis Bullosa Distrophica Autosomal Recessive (RDEB); EPIDERMOLYSIS BULLOSA DYSTROPHICA, GENERALIZED SEVERE, AUTOSOMAL RECESSIVE. Identifiers: Orphanet 79408, Orphanet 79409, MedGen C0079474, MONDO:0009179, OMIM 226600.
Transient bullous dermolysis of the newborn (TBDN). Also called: DYSTROPHIC EPIDERMOLYSIS BULLOSA, NEONATAL; EPIDERMOLYSIS BULLOSA DYSTROPHICA, NEONATAL FORM. Identifiers: Orphanet 79411, MedGen C1851573, MONDO:0007548, OMIM 131705.
Epidermolysis bullosa pruriginosa. Also called: DEB, PRURIGINOSA; DYSTROPHIC EPIDERMOLYSIS BULLOSA PRURIGINOSA. Identifiers: Orphanet 89843, MedGen C1275114, MONDO:0011398, OMIM 604129.
Generalized dominant dystrophic epidermolysis bullosa (DDEB). Also called: DDEB, generalized; DDEB-gen; DYSTROPHIC EPIDERMOLYSIS BULLOSA, AUTOSOMAL DOMINANT; Epidermolysis bullosa dystrophica, autosomal dominant; Dominant DEB (DDEB). Identifiers: Orphanet 231568, MedGen C0432322, MONDO:0007549, OMIM 131750.

Submissions (2):

Labcorp Genetics (formerly Invitae), Labcorp
Classification: Likely pathogenic. Last evaluated: 2022-02-20. Review status: criteria provided, single submitter. Criteria: Invitae Variant Classification Sherloc (09022015). Collection method: clinical testing. Allele origin: germline.
Comment: In summary, the currently available evidence indicates that the variant is pathogenic, but additional data are needed to prove that conclusively. Therefore, this variant has been classified as Likely Pathogenic. Algorithms developed to predict the effect of sequence changes on RNA splicing suggest that this variant may disrupt the consensus splice site. This variant has not been reported in the literature in individuals affected with COL7A1-related conditions. This variant is not present in population databases (gnomAD no frequency). This sequence change affects an acceptor splice site in intron 68 of the COL7A1 gene. It is expected to disrupt splicing. Variants that disrupt the donor or acceptor splice site typically lead to a loss of protein function (PMID: 16199547), and loss-of-function variants in COL7A1 are known to be disease-causing for autosomal recessive dystrophic epidermolysis bullosa (PMID: 16971478). However, certain variants affecting donor or acceptor splice sites in the triple helical domain of COL7A1 are expected to result in in-frame exon skipping and have been reported to cause autosomal dominant dystrophic epidermolysis bullosa (PMID: 31670143).

Juno Genomics, Hangzhou Juno Genomics, Inc
Classification: Likely pathogenic for Recessive dystrophic epidermolysis bullosa; Dominant dystrophic epidermolysis bullosa with absence of skin; Generalized dominant dystrophic epidermolysis bullosa; Epidermolysis bullosa pruriginosa; Pretibial dystrophic epidermolysis bullosa; Nonsyndromic congenital nail disorder 8; Transient bullous dermolysis of the newborn. Review status: criteria provided, single submitter. Criteria: ACMG Guidelines, 2015. Collection method: clinical testing. Allele origin: germline. Affected: yes.
Comment: Null variant in a gene where loss of function (LOF) is a known mechanism of disease.;Absent from controls (or at extremely low frequency if recessive) in Genome Aggregation Database, Exome Sequencing Project, 1000 Genomes Project, or Exome Aggregation Consortium.;Patient's phenotype or family history is highly specific for a disease with a single genetic etiology.

Literature cited by the submitters: PubMed 16199547 (cited by Labcorp Genetics (formerly Invitae), Labcorp); PubMed 16971478 (cited by Labcorp Genetics (formerly Invitae), Labcorp); PubMed 31670143 (cited by Labcorp Genetics (formerly Invitae), Labcorp).